The following is an entry in ClinVar:

ClinVar aggregate classification (germline): Uncertain significance (1 of 4 stars; one submission).

Conditions:
HDLBP-related disorder. Also called: HDLBP-related condition.

Submission:

PreventionGenetics, part of Exact Sciences
Classification: Uncertain significance for HDLBP-related condition. Last evaluated: 2025-03-10. Review status: criteria provided, single submitter. Criteria: ACMG Guidelines, 2015. Collection method: clinical testing. Allele origin: germline.
Comment: The HDLBP c.2933A>G variant is predicted to result in the amino acid substitution p.Glu978Gly. To our knowledge, this variant has not been reported in the literature or in a large population database (gnomAD), indicating this variant is rare. At this time, the clinical significance of this variant is uncertain due to the absence of conclusive functional and genetic evidence.

NM_005336.6(HDLBP):c.2933A>G (p.Glu978Gly)

Genes: ANO7 (anoctamin 7; plus strand), HDLBP (high density lipoprotein binding protein; minus strand). Cytogenetic location: 2q37.3.
Variant type: single nucleotide variant.
Coding change: c.2933A>G on transcript NM_005336.6 (MANE Select); coding-DNA position 2933, A replaced by G.
Protein change: p.Glu978Gly; replaces glutamic acid 978 with glycine.
Molecular consequence: missense variant.
Genome position (GRCh38, 1-based): chr2:241,235,566, T>C on the plus strand (A>G on the coding strand, the complement: HDLBP is on the minus strand). VCF-style: chr2-241235566-T-C. GRCh37 (hg19) VCF-style: chr2-242174981-T-C.
Other names: c.2834A>G, p.Glu945Gly (NM_001243900.3); c.2933A>G, p.Glu978Gly (NM_001320965.3, NM_001320966.3, NM_001320967.3 and 1 more transcripts); short protein forms E945G, E978G.
Identifiers: ClinVar variation 4998162 (VCV004998162.1).